The following is an entry in ClinVar:

ClinVar aggregate classification (germline): Uncertain significance. Review status: criteria provided, multiple submitters, no conflicts (2 of 4 stars). 2 submissions from 2 submitters: Uncertain significance (2). Last evaluated 2025-04-11.

Conditions:
Hereditary cancer-predisposing syndrome. Also called: Hereditary neoplastic syndrome; Neoplastic Syndromes, Hereditary; Tumor predisposition; Hereditary Cancer Syndrome. Identifiers: Orphanet 140162, MedGen C0027672, MeSH D009386, MONDO:0015356.
Tuberous sclerosis 2 (TSC2). Identifiers: Orphanet 805, MedGen C1860707, MONDO:0013199, OMIM 613254.

Submissions (2):

Ambry Genetics
Classification: Uncertain significance for Hereditary cancer-predisposing syndrome. Last evaluated: 2025-04-11. Review status: criteria provided, single submitter. Criteria: Ambry Variant Classification Scheme 2023. Collection method: clinical testing. Allele origin: germline.
Comment: The p.T1542N variant (also known as c.4625C>A), located in coding exon 35 of the TSC2 gene, results from a C to A substitution at nucleotide position 4625. The threonine at codon 1542 is replaced by asparagine, an amino acid with similar properties. This amino acid position is conserved. In addition, the in silico prediction for this alteration is inconclusive. Based on the available evidence, the clinical significance of this variant remains unclear.

Labcorp Genetics (formerly Invitae), Labcorp
Classification: Uncertain significance for Tuberous sclerosis 2. Last evaluated: 2020-01-30. Review status: criteria provided, single submitter. Criteria: Invitae Variant Classification Sherloc (09022015). Collection method: clinical testing. Allele origin: germline.
Comment: In summary, the available evidence is currently insufficient to determine the role of this variant in disease. Therefore, it has been classified as a Variant of Uncertain Significance. This sequence change replaces threonine with asparagine at codon 1542 of the TSC2 protein (p.Thr1542Asn). The threonine residue is highly conserved and there is a small physicochemical difference between threonine and asparagine. This variant is not present in population databases (ExAC no frequency). This variant has not been reported in the literature in individuals with TSC2-related conditions. Algorithms developed to predict the effect of missense changes on protein structure and function are either unavailable or do not agree on the potential impact of this missense change (SIFT: "Deleterious"; PolyPhen-2: "Probably Damaging"; Align-GVGD: "Class C0").

NM_000548.5(TSC2):c.4625C>A (p.Thr1542Asn)

Gene: TSC2 (TSC complex subunit 2; plus strand). Cytogenetic location: 16p13.3.
Variant type: single nucleotide variant.
Coding change: c.4625C>A on transcript NM_000548.5 (MANE Select); coding-DNA position 4625, C replaced by A.
Protein change: p.Thr1542Asn; replaces threonine 1542 with asparagine.
Molecular consequence: missense variant.
Genome position (GRCh38, 1-based): chr16:2,085,285, C>A. VCF-style: chr16-2085285-C-A. GRCh37 (hg19) VCF-style: chr16-2135286-C-A.
Other names: c.4424C>A, p.Thr1475Asn (NM_001077183.3); c.4556C>A, p.Thr1519Asn (NM_001114382.3); c.4316C>A, p.Thr1439Asn (NM_001318827.2); c.4280C>A, p.Thr1427Asn (NM_001318829.2); c.3893C>A, p.Thr1298Asn (NM_001318831.2); c.4457C>A, p.Thr1486Asn (NM_001318832.2); c.4427C>A, p.Thr1476Asn (NM_001363528.2); c.4493C>A, p.Thr1498Asn (NM_001370404.1); and 2 more; short protein forms T1427N, T1475N, T1476N, T1439N, T1498N, T1499N, T1519N, T1542N.
Identifiers: ClinVar variation 1047812 (VCV001047812.10), dbSNP rs2090628070, ClinGen allele CA394304832.
Genomic context (GRCh38, chr16:2,085,285, plus strand): 5'-CACAGTCACAGTCCTTTGAGCGGTCGGTGCAGCTCCTCGACCAGATCCCATCATACGACA[C>A]CCACAAGATCGCCGTCCTGTATGTTGGAGAAGGCCAGGTGAGGCTGCGGGGCCGGCCTAG-3'
Protein context (NP_000539.2, residues 1532-1552): QLLDQIPSYD[Thr1542Asn]HKIAVLYVGE